The following is an entry in ClinVar:

ClinVar aggregate classification (germline): Uncertain significance (1 of 4 stars; one submission).

Conditions:
Diamond-Blackfan anemia 4 (DBA4). Also called: RPS17-Related Diamond-Blackfan Anemia. Identifiers: Orphanet 124, MedGen C2675860, MONDO:0012924, OMIM 612527.

Submission:

Laboratorio de Genetica e Diagnostico Molecular, Hospital Israelita Albert Einstein
Classification: Uncertain significance for Diamond-Blackfan anemia 4. Last evaluated: 2024-04-25. Review status: criteria provided, single submitter. Criteria: ACMG Guidelines, 2015. Collection method: clinical testing. Allele origin: germline. Affected: yes.
Comment: ACMG classification criteria: PM2 supporting, PP2 supporting

NM_001021.6(RPS17):c.40C>T (p.Arg14Trp)

Gene: RPS17 (ribosomal protein S17; minus strand). Cytogenetic location: 15q25.2.
Variant type: single nucleotide variant.
Coding change: c.40C>T on transcript NM_001021.6 (MANE Select); coding-DNA position 40, C replaced by T.
Protein change: p.Arg14Trp; replaces arginine 14 with tryptophan.
Molecular consequence: missense variant. On other transcripts: non-coding transcript variant (2).
Genome position (GRCh38, 1-based): chr15:82,540,096, G>A on the plus strand (C>T on the coding strand, the complement: RPS17 is on the minus strand). VCF-style: chr15-82540096-G-A. GRCh37 (hg19) VCF-style: chr15-82824504-G-A.
Other names: short protein forms R14W.
Identifiers: ClinVar variation 4076389 (VCV004076389.1).
Genomic context (GRCh38, chr15:82,540,096, plus strand): 5'-CGCGCTTGTTCGTGTGGAAGTCGTTGCCCAGGCGCGTGTAGTACTTTTCTATGATGACCC[G>A]GGCCGCCTTCTTCACGGTTTTGGTGCGAACGCGGCCCTGCGGGTGGAGAGGACAGGATCA-3'
Protein context (NP_001012.1, residues 4-24): VRTKTVKKAA[Arg14Trp]VIIEKYYTRL